The following is an entry in ClinVar:

NM_007294.4(BRCA1):c.4358-2885G>A

Gene: BRCA1 (BRCA1 DNA repair associated; minus strand). Cytogenetic location: 17q21.31.
Variant type: single nucleotide variant.
Coding change: c.4358-2885G>A on transcript NM_007294.4 (MANE Select); 2885 bases into the intron before coding-DNA position 4358, G replaced by A.
Molecular consequence: intron variant.
Genome position (GRCh38, 1-based): chr17:43,079,499, C>T on the plus strand (G>A on the coding strand, the complement: BRCA1 is on the minus strand). VCF-style: chr17-43079499-C-T. GRCh37 (hg19) VCF-style: chr17-41231516-C-T.
Other names: IVS 13-2885G>A; c.908-2888G>A (NM_001408458.1, NM_001408461.1, NM_001408459.1 and 1 more transcripts); c.3470-2888G>A (NM_001407967.1); c.3977-2885G>A (NM_001407959.1); c.4091-2885G>A (NM_001407931.1, NM_001407932.1, NM_001407930.1 and 1 more transcripts); c.4214-2885G>A (NM_001407747.1, NM_001407745.1, NM_001407746.1 and 11 more transcripts); c.3974-2885G>A (NM_001407962.1); c.545-2885G>A (NM_001408512.1); and 99 more.
Identifiers: ClinVar variation 209399 (VCV000209399.21), dbSNP rs8176193, ClinGen allele CA276371.

ClinVar aggregate classification (germline): Benign. Review status: reviewed by expert panel (3 of 4 stars). 5 submissions from 5 submitters: Benign (1). 4 of the submissions do not count toward it. Last evaluated 2015-01-12.

Conditions:
Hereditary breast ovarian cancer syndrome. Also called: Breast and ovarian cancer; Hereditary breast and ovarian cancer; Hereditary breast and ovarian cancer syndrome; Hereditary breast and/or ovarian cancer syndrome; BRCA1- and BRCA2-Associated Hereditary Breast and Ovarian Cancer; Hereditary breast and ovarian cancer syndrome (HBOC). Identifiers: Orphanet 145, MedGen C0677776, MeSH D061325, MONDO:0003582. Disease mechanism: loss of function.
Breast-ovarian cancer, familial, susceptibility to, 1 (BROVCA1). Also called: BRCA1 Hereditary Breast and Ovarian Cancer; OVARIAN CANCER, SUSCEPTIBILITY TO. Identifiers: Orphanet 145, MedGen C2676676, MONDO:0011450, OMIM 604370. Disease mechanism: loss of function.

Allele frequency attached by ClinVar (database versions not stated): 1000 Genomes Project 0.35343; gnomAD exomes 0.35659; TOPMed 0.30198; gnomAD 0.30892 and 0.31633; 1000 Genomes Project 30x 0.34760.
gnomAD v4.1: 428,647 of 1,219,878 alleles (35%); highest among the groups gnomAD compares: South Asian, 50%; 76,767 homozygotes.

Submissions (5):

Evidence-based Network for the Interpretation of Germline Mutant Alleles (ENIGMA)
Classification: Benign for Breast-ovarian cancer, familial 1. Last evaluated: 2015-01-12. Review status: reviewed by expert panel. Criteria: ENIGMA BRCA1/2 Classification Criteria (2015). Collection method: curation. Allele origin: germline.
Comment: Class 1 not pathogenic based on frequency >1% in an outbred sampleset. Frequency 0.3304 (Asian), 0.2154 (African), 0.3588 (European), derived from 1000 genomes (2012-04-30).

National Health Laboratory Service, Universitas Academic Hospital and University of the Free State
Classification: Benign for Hereditary breast ovarian cancer syndrome. Last evaluated: 2022-04-19. Review status: criteria provided, single submitter. Criteria: ACMG Guidelines, 2015. Collection method: clinical testing. Allele origin: germline. Affected: yes. Observed: 636 variant alleles. Not counted in ClinVar's aggregate classification.

GeneDx
Classification: Benign. Last evaluated: 2015-03-03. Review status: criteria provided, single submitter. Criteria: GeneDx Variant Classification Process June 2021. Collection method: clinical testing. Allele origin: germline. Affected: yes. Not counted in ClinVar's aggregate classification.

Breakthrough Genomics
Classification: Benign. Review status: criteria provided, single submitter. Criteria: ACMG Guidelines, 2015. Collection method: not provided. Allele origin: germline. Inheritance: Autosomal recessive inheritance. Affected: yes. Not counted in ClinVar's aggregate classification.

GreenArray Genomic Research & Solutions of Accurate Diagnostic Private Limited
Classification: Benign for Breast-ovarian cancer, familial, susceptibility to, 1. Review status: criteria provided, single submitter. Criteria: ACMG Guidelines, 2015. Collection method: clinical testing. Allele origin: germline. Affected: no. Not counted in ClinVar's aggregate classification.

Literature cited by the submitters: DOI 10.3389/fgene.2022.834265 (cited by National Health Laboratory Service, Universitas Academic Hospital and University of the Free State).